The following is an entry in ClinVar:

ClinVar aggregate classification (germline): Uncertain significance (1 of 4 stars; one submission).

Conditions:
Neuropathy, hereditary sensory and autonomic, type 2A (HSAN2A). Also called: HSAN IIA; MORVAN DISEASE; NEUROPATHY, CONGENITAL SENSORY; NEUROPATHY, HEREDITARY SENSORY RADICULAR, AUTOSOMAL RECESSIVE; NEUROPATHY, HEREDITARY SENSORY, TYPE IIA; NEUROPATHY, PROGRESSIVE SENSORY, OF CHILDREN. Identifiers: Orphanet 970, MedGen C2752089, MONDO:0024309, OMIM 201300.
Generalized epilepsy with febrile seizures plus, type 7 (GEFSP7). Also called: GEFS+, TYPE 7. Identifiers: Orphanet 36387, MedGen C2751778, MONDO:0013470, OMIM 613863.

Submission:

Labcorp Genetics (formerly Invitae), Labcorp
Classification: Uncertain significance for Neuropathy, hereditary sensory and autonomic, type 2A; Generalized epilepsy with febrile seizures plus, type 7. Last evaluated: 2020-04-17. Review status: criteria provided, single submitter. Criteria: Invitae Variant Classification Sherloc (09022015). Collection method: clinical testing. Allele origin: germline.
Comment: In summary, the available evidence is currently insufficient to determine the role of this variant in disease. Therefore, it has been classified as a Variant of Uncertain Significance. Algorithms developed to predict the effect of missense changes on protein structure and function are either unavailable or do not agree on the potential impact of this missense change (SIFT: "Deleterious"; PolyPhen-2: "Possibly Damaging"; Align-GVGD: "Class C0"). This variant has not been reported in the literature in individuals with SCN9A-related conditions. This variant is not present in population databases (ExAC no frequency). This sequence change replaces isoleucine with phenylalanine at codon 1211 of the SCN9A protein (p.Ile1211Phe). The isoleucine residue is moderately conserved and there is a small physicochemical difference between isoleucine and phenylalanine.

NM_001365536.1(SCN9A):c.3664A>T (p.Ile1222Phe)

Genes: SCN9A (sodium voltage-gated channel alpha subunit 9; minus strand), SCN1A-AS1 (SCN1A and SCN9A antisense RNA 1; plus strand). Cytogenetic location: 2q24.3.
Variant type: single nucleotide variant.
Coding change: c.3664A>T on transcript NM_001365536.1 (MANE Select); coding-DNA position 3664, A replaced by T.
Protein change: p.Ile1222Phe; replaces isoleucine 1222 with phenylalanine.
Molecular consequence: missense variant.
Genome position (GRCh38, 1-based): chr2:166,238,231, T>A on the plus strand (A>T on the coding strand, the complement: SCN9A is on the minus strand). VCF-style: chr2-166238231-T-A. GRCh37 (hg19) VCF-style: chr2-167094741-T-A.
Other names: c.3631A>T, p.Ile1211Phe (NM_002977.4); short protein forms I1211F, I1222F.
Identifiers: ClinVar variation 1005086 (VCV001005086.9), dbSNP rs1695407830, ClinGen allele CA349068892.
Genomic context (GRCh38, chr2:166,238,231, plus strand): 5'-GCATTTCCAGAATGAAGATGTAAGTGAAGATCTTGTCTGCATACTCCAGGATAATCTTAA[T>A]GGTCTTTTTCCTTTCAATATAAATATCTTCAAAAGCCTGTGGAAATAATATTCAAGTTTC-3'
Protein context (NP_001352465.1, residues 1212-1232): EDIYIERKKT[Ile1222Phe]KIILEYADKI